The following is an entry in ClinVar:

ClinVar aggregate classification (germline): Pathogenic (1 of 4 stars; one submission).

Conditions:
Early-infantile DEE. Also called: Early infantile epileptic encephalopathy; Early infantile epileptic encephalopathy with suppression bursts; Ohtahara syndrome. Identifiers: Orphanet 1934, MedGen C0393706, MONDO:0800491.

Submission:

Labcorp Genetics (formerly Invitae), Labcorp
Classification: Pathogenic for Early-infantile DEE. Last evaluated: 2018-07-22. Review status: criteria provided, single submitter. Criteria: Invitae Variant Classification Sherloc (09022015). Collection method: clinical testing. Allele origin: germline.
Comment: For these reasons, this variant has been classified as Pathogenic. Loss-of-function variants in SCN1A are known to be pathogenic (PMID: 17347258, 18930999). This variant has not been reported in the literature in individuals with SCN1A-related disease. This variant is not present in population databases (ExAC no frequency). This sequence change creates a premature translational stop signal (p.Thr1088Lysfs*17) in the SCN1A gene. It is expected to result in an absent or disrupted protein product.

Literature cited by the submitters: PubMed 17347258; PubMed 18930999.

NM_001165963.4(SCN1A):c.3229_3262dup (p.Thr1088fs)

Genes: SCN1A (sodium voltage-gated channel alpha subunit 1; minus strand), LOC102724058 (uncharacterized LOC102724058; plus strand). Cytogenetic location: 2q24.3.
Variant type: Duplication.
Coding change: c.3229_3262dup on transcript NM_001165963.4 (MANE Select); coding-DNA positions 3229 to 3262, 34 bases duplicated.
Protein change: p.Thr1088fs; shifts the reading frame from threonine 1088.
Molecular consequence: frameshift variant. On other transcripts: non-coding transcript variant (2).
Genome position (GRCh38, 1-based): chr2:166,036,215-166,036,248, 34 bases duplicated. GRCh37 (hg19): chr2:166,892,725-166,892,758.
Other names: c.3145_3178dup, p.Thr1060fs (NM_001165964.3, NM_001353957.2, NM_001353958.2); c.3229_3262dup, p.Thr1088fs (NM_001202435.3, NM_001353948.2); c.3196_3229dup, p.Thr1077fs (NM_001353949.2, NM_001353950.2, NM_001353951.2 and 2 more transcripts); c.3193_3226dup, p.Thr1076fs (NM_001353954.2, NM_001353955.2); c.3142_3175dup, p.Thr1059fs (NM_001353960.2); c.787_820dup, p.Thr274fs (NM_001353961.2); short protein forms T1088fs, T1059fs, T1077fs, T274fs, T1060fs, T1076fs.
Identifiers: ClinVar variation 642669 (VCV000642669.7), dbSNP rs1574169179, ClinGen allele CA915942888.
Genomic context (GRCh38, chr2:166,036,214, plus strand): 5'-TTGTTTATGAATGACATGTAATCACTTTCATCAATAATGTATTTTTCAACACTGCTGCCA[G>GTTCCTATACCACTTGTAGTTCCATTTACATCTTT]TTCCTATACCACTTGTAGTTCCATTTACATCTTTAAGATAGTCAAGATCTTTCCCAATTT-3'